The following is an entry in ClinVar:

ClinVar aggregate classification (germline): Likely benign. Review status: criteria provided, multiple submitters, no conflicts (2 of 4 stars). 2 submissions from 2 submitters: Likely benign (2). Last evaluated 2025-04-30.

Conditions:
Ehlers-Danlos syndrome, musculocontractural type 2 (EDSMC2). Identifiers: Orphanet 2953, MedGen C3809845, MONDO:0014236, OMIM 615539.

Allele frequency attached by ClinVar (database versions not stated): ExAC 0.00001; gnomAD 0.00001; gnomAD exomes 0.00001.
gnomAD v4.1: 13 of 1,614,060 alleles (0.00081%); highest among the groups gnomAD compares: African/African-American, 0.0053%; no homozygotes.

Submissions (2):

Labcorp Genetics (formerly Invitae), Labcorp
Classification: Likely benign for Ehlers-Danlos syndrome, musculocontractural type 2. Last evaluated: 2025-04-30. Review status: criteria provided, single submitter. Criteria: Invitae Variant Classification Sherloc (09022015). Collection method: clinical testing. Allele origin: germline.

CeGaT Center for Human Genetics Tuebingen
Classification: Likely benign. Last evaluated: 2022-03-01. Review status: criteria provided, single submitter. Criteria: CeGaT Center For Human Genetics Tuebingen Variant Classification Criteria Version 2. Collection method: clinical testing. Allele origin: germline. Affected: yes. Observed: 1 variant allele.
Comment: DSE: BP4, BP7

NM_013352.4(DSE):c.1875C>T (p.Ser625=)

Gene: DSE (dermatan sulfate epimerase; plus strand). Cytogenetic location: 6q22.1.
Variant type: single nucleotide variant.
Coding change: c.1875C>T on transcript NM_013352.4 (MANE Select); coding-DNA position 1875, C replaced by T.
Protein change: p.Ser625=; no amino-acid change (serine 625 retained).
Molecular consequence: synonymous variant. On other transcripts: 3 prime UTR variant (2), non-coding transcript variant (1).
Genome position (GRCh38, 1-based): chr6:116,436,343, C>T. VCF-style: chr6-116436343-C-T. GRCh37 (hg19) VCF-style: chr6-116757506-C-T.
Other names: c.1875C>T, p.Ser625= (NM_001080976.3, NM_001322937.2, NM_001322938.2); c.1932C>T, p.Ser644= (NM_001322939.2); c.1314C>T, p.Ser438= (NM_001322940.2, NM_001322941.2); c.*740C>T (NM_001322943.2, NM_001322944.2); c.876C>T, p.Ser292= (NM_001374520.1); c.840C>T, p.Ser280= (NM_001374521.1).
Identifiers: ClinVar variation 2656863 (VCV002656863.25), dbSNP rs771082377, ClinGen allele CA3969722.